The following is an entry in ClinVar:

ClinVar aggregate classification (germline): Pathogenic. Review status: criteria provided, multiple submitters, no conflicts (2 of 4 stars). 4 submissions from 4 submitters: Pathogenic (4). Last evaluated 2025-11-13.

Conditions:
Tuberous sclerosis 2 (TSC2). Identifiers: Orphanet 805, MedGen C1860707, MONDO:0013199, OMIM 613254.

Submissions (4):

Clinical Genomics Laboratory, Washington University in St. Louis
Classification: Pathogenic for Tuberous sclerosis 2. Last evaluated: 2025-11-13. Review status: criteria provided, single submitter. Criteria: Leon-Quintero et al. (Clin Genet. 2025). Collection method: clinical testing. Allele origin: somatic. Affected: yes.
Comment: A TSC2 c.4594C>T (p.Gln1532*) variant was identified at an allelic fraction consistent with somatic origin. The TSC2 c.4594C>T (p.Gln1532*) variant, to our knowledge, has not been reported in the medical literature, however, similar loss of function variants at the same position have been reported in two individuals affected with Tuberous sclerosis complex in a germline state (Au K et al., PMID: 17304050; Jones A et al., PMID: 10205261). In addition, this variant has been reported in the ClinVar database as a pathogenic variant in a germline state by two submitters (ClinVar Variation ID: 280774). It is absent from the general population (gnomAD v4.1.0), indicating it is not a common variant. This nonsense variant leads to a premature termination codon, which is predicted to lead to nonsense-mediated decay. Based on available information and an internally developed protocol informed by the ACMG/AMP guidelines for variant interpretation and gene-specific practices from the ClinGen Criteria Specification Registry (Leon-Quintero FZ et al., PMID: 39434542), the TSC2 c.4594C>T (p.Gln1532*) variant is classified as pathogenic.

Labcorp Genetics (formerly Invitae), Labcorp
Classification: Pathogenic for Tuberous sclerosis 2. Last evaluated: 2021-11-23. Review status: criteria provided, single submitter. Criteria: Invitae Variant Classification Sherloc (09022015). Collection method: clinical testing. Allele origin: germline.
Comment: For these reasons, this variant has been classified as Pathogenic. ClinVar contains an entry for this variant (Variation ID: 280774). This variant has not been reported in the literature in individuals affected with TSC2-related conditions. This variant is not present in population databases (gnomAD no frequency). This sequence change creates a premature translational stop signal (p.Gln1532*) in the TSC2 gene. It is expected to result in an absent or disrupted protein product. Loss-of-function variants in TSC2 are known to be pathogenic (PMID: 10205261, 17304050).

Genome-Nilou Lab
Classification: Pathogenic for Tuberous sclerosis 2. Last evaluated: 2021-11-07. Review status: criteria provided, single submitter. Criteria: ACMG Guidelines, 2015. Collection method: clinical testing. Allele origin: germline. Affected: no.

GeneDx
Classification: Pathogenic. Last evaluated: 2016-07-29. Review status: criteria provided, single submitter. Criteria: GeneDx Variant Classification (06012015). Collection method: clinical testing. Allele origin: germline. Affected: yes.
Comment: The Q1532X nonsense variant in the TSC2 gene has been reported multiple times previously inassociation with TSC (TSC2 LOVD). This pathogenic variant is predicted to cause loss of normalprotein function either through protein truncation or nonsense-mediated mRNA decay.

Literature cited by the submitters: PubMed 10205261 (cited by Labcorp Genetics (formerly Invitae), Labcorp); PubMed 17304050 (cited by Labcorp Genetics (formerly Invitae), Labcorp).

NM_000548.5(TSC2):c.4594C>T (p.Gln1532Ter)

Gene: TSC2 (TSC complex subunit 2; plus strand). Cytogenetic location: 16p13.3.
Variant type: single nucleotide variant.
Coding change: c.4594C>T on transcript NM_000548.5 (MANE Select); coding-DNA position 4594, C replaced by T.
Protein change: p.Gln1532Ter; replaces glutamine 1532 with a stop codon.
Molecular consequence: nonsense.
Genome position (GRCh38, 1-based): chr16:2,085,254, C>T. VCF-style: chr16-2085254-C-T. GRCh37 (hg19) VCF-style: chr16-2135255-C-T.
Other names: c.4393C>T, p.Gln1465Ter (NM_001077183.3); c.4525C>T, p.Gln1509Ter (NM_001114382.3); c.4285C>T, p.Gln1429Ter (NM_001318827.2); c.4249C>T, p.Gln1417Ter (NM_001318829.2); c.3862C>T, p.Gln1288Ter (NM_001318831.2); c.4426C>T, p.Gln1476Ter (NM_001318832.2); c.4396C>T, p.Gln1466Ter (NM_001363528.2); c.4462C>T, p.Gln1488Ter (NM_001370404.1); and 1 more; short protein forms Q1532*, Q1417*, Q1429*, Q1488*, Q1489*, Q1509*, Q1288*, Q1476*.
Identifiers: ClinVar variation 280774 (VCV000280774.10), dbSNP rs886041919, ClinGen allele CA10603520.